The following is an entry in ClinVar:

NM_144701.3(IL23R):c.958C>T (p.Pro320Ser)

Gene: IL23R (interleukin 23 receptor; plus strand). Cytogenetic location: 1p31.3.
Variant type: single nucleotide variant.
Coding change: c.958C>T on transcript NM_144701.3 (MANE Select); coding-DNA position 958, C replaced by T.
Protein change: p.Pro320Ser; replaces proline 320 with serine.
Molecular consequence: missense variant.
Genome position (GRCh38, 1-based): chr1:67,236,715, C>T. VCF-style: chr1-67236715-C-T. GRCh37 (hg19) VCF-style: chr1-67702398-C-T.
Other names: short protein forms P320S.
Identifiers: ClinVar variation 2121384 (VCV002121384.4), dbSNP rs1651498332, ClinGen allele CA340733422.
Genomic context (GRCh38, chr1:67,236,715, plus strand): 5'-AATTTGGCAAGCAGAGTGCAAAATGTAAGAAACTGACACTCTTTCCTTTTGGTTTAAGTT[C>T]CCCAGGTCACATCAAAAGCATTCCAACATGACACATGGAATTCTGGGCTAACAGTTGCTT-3'
Protein context (NP_653302.2, residues 310-330): LFFHKTPETV[Pro320Ser]QVTSKAFQHD

ClinVar aggregate classification (germline): Uncertain significance (1 of 4 stars; one submission).

Allele frequency attached by ClinVar (database versions not stated): TOPMed 0.00001.

Submission:

Labcorp Genetics (formerly Invitae), Labcorp
Classification: Uncertain significance. Last evaluated: 2022-09-12. Review status: criteria provided, single submitter. Criteria: Invitae Variant Classification Sherloc (09022015). Collection method: clinical testing. Allele origin: germline.
Comment: In summary, the available evidence is currently insufficient to determine the role of this variant in disease. Therefore, it has been classified as a Variant of Uncertain Significance. Algorithms developed to predict the effect of missense changes on protein structure and function output the following: SIFT: "Deleterious"; PolyPhen-2: "Probably Damaging"; Align-GVGD: "Class C0". The serine amino acid residue is found in multiple mammalian species, which suggests that this missense change does not adversely affect protein function. This variant has not been reported in the literature in individuals affected with IL23R-related conditions. This variant is not present in population databases (gnomAD no frequency). This sequence change replaces proline, which is neutral and non-polar, with serine, which is neutral and polar, at codon 320 of the IL23R protein (p.Pro320Ser).